The following is an entry in ClinVar:

ClinVar aggregate classification (germline): Uncertain significance (1 of 4 stars; one submission).

Submission:

Women's Health and Genetics/Laboratory Corporation of America, LabCorp
Classification: Uncertain significance. Last evaluated: 2024-11-20. Review status: criteria provided, single submitter. Criteria: LabCorp Variant Classification Summary - May 2015. Collection method: clinical testing. Allele origin: germline.
Comment: Variant summary: ABCA12 c.5468+4A>G alters a non-conserved nucleotide located close to a canonical splice site and therefore could affect mRNA splicing, leading to a significantly altered protein sequence. Several computational tools predict a significant impact on normal splicing: Two predict the variant abolishes a 5' splicing donor site. Two predict the variant weakens a 5' donor site. However, these predictions have yet to be confirmed by functional studies. The variant was absent in 251318 control chromosomes. c.5468+4A>G has been reported in the literature in compound heterozygous individuals affected with nonbullous congenital ichthyosiform erythroderma (e.g. Simpson_2020). These data indicate that the variant may be associated with disease. To our knowledge, no experimental evidence demonstrating an impact on protein function has been reported. The following publication have been ascertained in the context of this evaluation (PMID: 31168818). No submitters have cited clinical-significance assessments for this variant to ClinVar. Based on the evidence outlined above, the variant was classified as VUS-possibly pathogenic.

Literature cited by the submitters: PubMed 31168818.

NM_173076.3(ABCA12):c.5468+4A>G

Gene: ABCA12 (ATP binding cassette subfamily A member 12; minus strand). Cytogenetic location: 2q35.
Variant type: single nucleotide variant.
Coding change: c.5468+4A>G on transcript NM_173076.3 (MANE Select); 4 bases into the intron after coding-DNA position 5468, A replaced by G.
Molecular consequence: intron variant.
Genome position (GRCh38, 1-based): chr2:214,974,774, T>C on the plus strand (A>G on the coding strand, the complement: ABCA12 is on the minus strand). VCF-style: chr2-214974774-T-C. GRCh37 (hg19) VCF-style: chr2-215839498-T-C.
Other names: c.4514+4A>G (NM_015657.4).
Identifiers: ClinVar variation 3629964 (VCV003629964.1).